The following is an entry in ClinVar:

ClinVar aggregate classification (germline): Likely benign (1 of 4 stars; one submission).

Conditions:
SF3B1-related disorder. Also called: SF3B1-related condition.

Submission:

PreventionGenetics, part of Exact Sciences
Classification: Likely benign for SF3B1-related condition. Last evaluated: 2026-01-09. Review status: criteria provided, single submitter. Criteria: ACMG Guidelines, 2015. Collection method: clinical testing. Allele origin: germline.
Comment: This variant is classified as likely benign based on ACMG/AMP sequence variant interpretation guidelines (Richards et al. 2015 PMID: 25741868, with internal and published modifications).

NM_012433.4(SF3B1):c.3266+6_3266+7insTAAG

Gene: SF3B1 (splicing factor 3b subunit 1; minus strand). Cytogenetic location: 2q33.1.
Variant type: Insertion.
Coding change: c.3266+6_3266+7insTAAG on transcript NM_012433.4 (MANE Select); bases 6 to 7 of the intron after coding-DNA position 3266, TAAG inserted.
Molecular consequence: intron variant.
Genome position: GRCh38 VCF-style: chr2-197397978-C-CCTTA. GRCh37 (hg19) VCF-style: chr2-198262702-C-CCTTA.
Identifiers: ClinVar variation 5000452 (VCV005000452.1).